The following is an entry in ClinVar:

ClinVar aggregate classification (germline): Pathogenic (1 of 4 stars; one submission).

Conditions:
Tuberous sclerosis 2 (TSC2). Identifiers: Orphanet 805, MedGen C1860707, MONDO:0013199, OMIM 613254.

Submission:

Labcorp Genetics (formerly Invitae), Labcorp
Classification: Pathogenic for Tuberous sclerosis 2. Last evaluated: 2024-01-22. Review status: criteria provided, single submitter. Criteria: Invitae Variant Classification Sherloc (09022015). Collection method: clinical testing. Allele origin: germline.
Comment: This sequence change creates a premature translational stop signal (p.Ser1371Alafs*44) in the TSC2 gene. It is expected to result in an absent or disrupted protein product. Loss-of-function variants in TSC2 are known to be pathogenic (PMID: 10205261, 17304050). This variant is not present in population databases (gnomAD no frequency). This variant has not been reported in the literature in individuals affected with TSC2-related conditions. ClinVar contains an entry for this variant (Variation ID: 952916). For these reasons, this variant has been classified as Pathogenic.

Literature cited by the submitters: PubMed 10205261; PubMed 17304050.

NM_000548.5(TSC2):c.4106_4109dup (p.Ser1371fs)

Gene: TSC2 (TSC complex subunit 2; plus strand). Cytogenetic location: 16p13.3.
Variant type: Microsatellite.
Coding change: c.4106_4109dup on transcript NM_000548.5 (MANE Select); coding-DNA positions 4106 to 4109, 4 bases duplicated (GGCC; older notation c.4106_4109dupGGCC).
Protein change: p.Ser1371fs; shifts the reading frame from serine 1371.
Molecular consequence: frameshift variant.
Genome position (GRCh38, 1-based): chr16:2,084,328-2,084,331, GGCC duplicated; duplicating any 4 consecutive bases within chr16:2,084,324-2,084,331 gives the same sequence; the c. name uses the placement nearest the transcript's 3' end. VCF-style (leftmost placement, unchanged base first): chr16-2084323-T-TGGCC. GRCh37 (hg19) VCF-style: chr16-2134324-T-TGGCC.
Other names: c.3905_3908dup, p.Ser1304fs (NM_001077183.3); c.4037_4040dup, p.Ser1348fs (NM_001114382.3); c.3797_3800dup, p.Ser1268fs (NM_001318827.2); c.3761_3764dup, p.Ser1256fs (NM_001318829.2); c.3374_3377dup, p.Ser1127fs (NM_001318831.2); c.3938_3941dup, p.Ser1315fs (NM_001318832.2); c.3908_3911dup, p.Ser1305fs (NM_001363528.2); c.3974_3977dup, p.Ser1327fs (NM_001370404.1); and 1 more; short protein forms S1268fs, S1305fs, S1304fs, S1371fs, S1256fs, S1127fs, S1315fs, S1327fs.
Identifiers: ClinVar variation 952916 (VCV000952916.7), dbSNP rs2090492186, ClinGen allele CA2202043795.